The following is an entry in ClinVar:

NM_002317.7(LOX):c.544C>T (p.Pro182Ser)

Genes: LOX (lysyl oxidase; minus strand), SRFBP1 (serum response factor binding protein 1; plus strand). Cytogenetic location: 5q23.1.
Variant type: single nucleotide variant.
Coding change: c.544C>T on transcript NM_002317.7 (MANE Select); coding-DNA position 544, C replaced by T.
Protein change: p.Pro182Ser; replaces proline 182 with serine.
Molecular consequence: missense variant.
Genome position (GRCh38, 1-based): chr5:122,077,442, G>A on the plus strand (C>T on the coding strand, the complement: LOX is on the minus strand). VCF-style: chr5-122077442-G-A. GRCh37 (hg19) VCF-style: chr5-121413137-G-A.
Other names: short protein forms P182S.
Identifiers: ClinVar variation 2978120 (VCV002978120.3), dbSNP rs765860482, ClinGen allele CA360875719.

ClinVar aggregate classification (germline): Uncertain significance (1 of 4 stars; one submission).

gnomAD v4.1: 1 of 1,614,128 alleles (0.000062%); highest among the groups gnomAD compares: Admixed American, 0.0017%; no homozygotes.

Submission:

Labcorp Genetics (formerly Invitae), Labcorp
Classification: Uncertain significance. Last evaluated: 2023-08-10. Review status: criteria provided, single submitter. Criteria: Invitae Variant Classification Sherloc (09022015). Collection method: clinical testing. Allele origin: germline.
Comment: This sequence change replaces proline, which is neutral and non-polar, with serine, which is neutral and polar, at codon 182 of the LOX protein (p.Pro182Ser). This variant is not present in population databases (gnomAD no frequency). This variant has not been reported in the literature in individuals affected with LOX-related conditions. Advanced modeling of protein sequence and biophysical properties (such as structural, functional, and spatial information, amino acid conservation, physicochemical variation, residue mobility, and thermodynamic stability) performed at Invitae indicates that this missense variant is not expected to disrupt LOX protein function. In summary, the available evidence is currently insufficient to determine the role of this variant in disease. Therefore, it has been classified as a Variant of Uncertain Significance.